The following is an entry in ClinVar:

ClinVar aggregate classification (germline): Uncertain significance. Review status: criteria provided, multiple submitters, no conflicts (2 of 4 stars). 2 submissions from 2 submitters: Uncertain significance (2). Last evaluated 2025-03-26.

Conditions:
Inborn genetic diseases. Identifiers: MedGen C0950123, MeSH D030342.
Combined immunodeficiency due to LRBA deficiency. Also called: Common variable immunodeficiency 8, with autoimmunity. Identifiers: Orphanet 445018, MedGen C3553512, MONDO:0013863, OMIM 614700.

Allele frequency attached by ClinVar (database versions not stated): gnomAD exomes below 0.00001; TOPMed below 0.00001; ExAC 0.00001; gnomAD 0.00001; 1000 Genomes Project 0.00020; 1000 Genomes Project 30x 0.00031.
gnomAD v4.1: 3 of 1,613,494 alleles (0.00019%); highest among the groups gnomAD compares: Admixed American, 0.005%; no homozygotes.

Submissions (2):

Ambry Genetics
Classification: Uncertain significance for Inborn genetic diseases. Last evaluated: 2025-03-26. Review status: criteria provided, single submitter. Criteria: Ambry Variant Classification Scheme 2023. Collection method: clinical testing. Allele origin: germline.

Labcorp Genetics (formerly Invitae), Labcorp
Classification: Uncertain significance for Combined immunodeficiency due to LRBA deficiency. Last evaluated: 2022-02-25. Review status: criteria provided, single submitter. Criteria: Invitae Variant Classification Sherloc (09022015). Collection method: clinical testing. Allele origin: germline.
Comment: This sequence change replaces leucine, which is neutral and non-polar, with valine, which is neutral and non-polar, at codon 1319 of the LRBA protein (p.Leu1319Val). This variant is present in population databases (rs181605052, gnomAD 0.006%). This variant has not been reported in the literature in individuals affected with LRBA-related conditions. Algorithms developed to predict the effect of missense changes on protein structure and function are either unavailable or do not agree on the potential impact of this missense change (SIFT: "Tolerated"; PolyPhen-2: "Probably Damaging"; Align-GVGD: "Class C0"). In summary, the available evidence is currently insufficient to determine the role of this variant in disease. Therefore, it has been classified as a Variant of Uncertain Significance.

NM_001364905.1(LRBA):c.3955C>G (p.Leu1319Val)

Gene: LRBA (LPS responsive beige-like anchor protein; minus strand). Cytogenetic location: 4q31.3.
Variant type: single nucleotide variant.
Coding change: c.3955C>G on transcript NM_001364905.1 (MANE Select); coding-DNA position 3955, C replaced by G.
Protein change: p.Leu1319Val; replaces leucine 1319 with valine.
Molecular consequence: missense variant.
Genome position (GRCh38, 1-based): chr4:150,850,773, G>C on the plus strand (C>G on the coding strand, the complement: LRBA is on the minus strand). VCF-style: chr4-150850773-G-C. GRCh37 (hg19) VCF-style: chr4-151771925-G-C.
Other names: c.3955C>G, p.Leu1319Val (NM_001199282.3, NM_001367550.1, NM_006726.5); short protein forms L1319V.
Identifiers: ClinVar variation 1437584 (VCV001437584.4), dbSNP rs181605052, ClinGen allele CA3102941.